The following is an entry in ClinVar:

ClinVar aggregate classification (germline): Uncertain significance (1 of 4 stars; one submission).

Submission:

GeneDx
Classification: Uncertain significance. Last evaluated: 2025-08-12. Review status: criteria provided, single submitter. Criteria: GeneDx Variant Classification Process June 2021. Collection method: clinical testing. Allele origin: germline. Affected: yes.
Comment: Not observed at significant frequency in large population cohorts (gnomAD); In silico analysis supports that this missense variant has a deleterious effect on protein structure/function; Has not been previously published as pathogenic or benign to our knowledge

NM_001277115.2(DNAH11):c.7869C>G (p.Cys2623Trp)

Gene: DNAH11 (dynein axonemal heavy chain 11; plus strand). Cytogenetic location: 7p15.3.
Variant type: single nucleotide variant.
Coding change: c.7869C>G on transcript NM_001277115.2 (MANE Select); coding-DNA position 7869, C replaced by G.
Protein change: p.Cys2623Trp; replaces cysteine 2623 with tryptophan.
Molecular consequence: missense variant.
Genome position (GRCh38, 1-based): chr7:21,739,628, C>G. VCF-style: chr7-21739628-C-G. GRCh37 (hg19) VCF-style: chr7-21779246-C-G.
Other names: short protein forms C2623W.
Identifiers: ClinVar variation 1328807 (VCV001328807.4), dbSNP rs2128490313, ClinGen allele CA366950895.
Genomic context (GRCh38, chr7:21,739,628, plus strand): 5'-CAGGTATGATAGACAGAAGGTGATGCTTAAAGAAATCCATAACTGCCAGTATGTCGCCTG[C>G]ATGAATCCGATGGTGGGCAGCTTCACCATCAATCCCAGGCTACAGGTAGGGTGTTGAATA-3'
Protein context (NP_001264044.1, residues 2613-2633): KEIHNCQYVA[Cys2623Trp]MNPMVGSFTI